The following is an entry in ClinVar:

ClinVar aggregate classification (germline): Pathogenic/Likely pathogenic. Review status: criteria provided, multiple submitters, no conflicts (2 of 4 stars). 2 submissions from 2 submitters: Pathogenic (1); Likely pathogenic (1). Last evaluated 2024-06-20.

Conditions:
Polycystic kidney disease 4 (PKD4). Also called: POLYCYSTIC KIDNEY AND HEPATIC DISEASE 1; POLYCYSTIC KIDNEY DISEASE, INFANTILE, TYPE I; PKD3; POLYCYSTIC KIDNEY DISEASE 4 WITH OR WITHOUT POLYCYSTIC LIVER DISEASE; Autosomal Recessive Polycystic Kidney Disease – PKHD1. Identifiers: MedGen C4540575, MONDO:0033004, OMIM 263200.
Autosomal recessive polycystic kidney disease (ARPKD). Also called: AR polycystic kidney disease. Identifiers: Orphanet 731, Orphanet 8378, MedGen C0085548, MeSH D017044, MONDO:0009889.

Allele frequency attached by ClinVar (database versions not stated): gnomAD exomes below 0.00001.
gnomAD v4.1: 1 of 1,608,672 alleles (0.000062%); no homozygotes.

Submissions (2):

Fulgent Genetics
Classification: Likely pathogenic for Polycystic kidney disease 4. Last evaluated: 2024-06-20. Review status: criteria provided, single submitter. Criteria: ACMG Guidelines, 2015. Collection method: clinical testing. Allele origin: germline.

Labcorp Genetics (formerly Invitae), Labcorp
Classification: Pathogenic for Autosomal recessive polycystic kidney disease. Last evaluated: 2023-03-21. Review status: criteria provided, single submitter. Criteria: Invitae Variant Classification Sherloc (09022015). Collection method: clinical testing. Allele origin: germline.
Comment: This sequence change creates a premature translational stop signal (p.Trp2465*) in the PKHD1 gene. It is expected to result in an absent or disrupted protein product. Loss-of-function variants in PKHD1 are known to be pathogenic (PMID: 19940839). This variant is present in population databases (no rsID available, gnomAD 0.006%). This variant has not been reported in the literature in individuals affected with PKHD1-related conditions. ClinVar contains an entry for this variant (Variation ID: 1353987). For these reasons, this variant has been classified as Pathogenic.

Literature cited by the submitters: PubMed 19940839 (cited by Labcorp Genetics (formerly Invitae), Labcorp).

NM_138694.4(PKHD1):c.7395G>A (p.Trp2465Ter)

Gene: PKHD1 (PKHD1 ciliary IPT domain containing fibrocystin/polyductin; minus strand). Cytogenetic location: 6p12.2.
Variant type: single nucleotide variant.
Coding change: c.7395G>A on transcript NM_138694.4 (MANE Select); coding-DNA position 7395, G replaced by A.
Protein change: p.Trp2465Ter; replaces tryptophan 2465 with a stop codon.
Molecular consequence: nonsense.
Genome position (GRCh38, 1-based): chr6:51,870,595, C>T on the plus strand (G>A on the coding strand, the complement: PKHD1 is on the minus strand). VCF-style: chr6-51870595-C-T. GRCh37 (hg19) VCF-style: chr6-51735393-C-T.
Other names: c.7395G>A, p.Trp2465Ter (NM_170724.3); short protein forms W2465*.
Identifiers: ClinVar variation 1353987 (VCV001353987.7), dbSNP rs1231660958, ClinGen allele CA364419696.